The following is an entry in ClinVar:

ClinVar aggregate classification (germline): Uncertain significance. Review status: criteria provided, multiple submitters, no conflicts (2 of 4 stars). 2 submissions from 2 submitters: Uncertain significance (2). Last evaluated 2024-01-22.

Allele frequency attached by ClinVar (database versions not stated): gnomAD 0.00004 and 0.00005; gnomAD exomes 0.00004; ExAC 0.00005; TOPMed 0.00006.
gnomAD v4.1: 61 of 1,610,786 alleles (0.0038%); highest among the groups gnomAD compares: Middle Eastern, 0.051%; no homozygotes.

Submissions (2):

Labcorp Genetics (formerly Invitae), Labcorp
Classification: Uncertain significance. Last evaluated: 2024-01-22. Review status: criteria provided, single submitter. Criteria: Invitae Variant Classification Sherloc (09022015). Collection method: clinical testing. Allele origin: germline.
Comment: This sequence change replaces arginine with glutamine at codon 731 of the COL18A1 protein (p.Arg731Gln). The arginine residue is weakly conserved and there is a small physicochemical difference between arginine and glutamine. This variant is present in population databases (rs201805043, gnomAD 0.01%). This variant has not been reported in the literature in individuals affected with COL18A1-related conditions. ClinVar contains an entry for this variant (Variation ID: 1441510). Experimental studies and prediction algorithms are not available or were not evaluated, and the functional significance of this variant is currently unknown. In summary, the available evidence is currently insufficient to determine the role of this variant in disease. Therefore, it has been classified as a Variant of Uncertain Significance.

Blueprint Genetics
Classification: Uncertain significance. Last evaluated: 2023-03-29. Review status: criteria provided, single submitter. Criteria: ACMG Guidelines, 2015. Collection method: clinical testing. Allele origin: germline.

NM_001379500.1(COL18A1):c.2192G>A (p.Arg731Gln)

Gene: COL18A1 (collagen type XVIII alpha 1 chain; plus strand). Cytogenetic location: 21q22.3.
Variant type: single nucleotide variant.
Coding change: c.2192G>A on transcript NM_001379500.1 (MANE Select); coding-DNA position 2192, G replaced by A.
Protein change: p.Arg731Gln; replaces arginine 731 with glutamine.
Molecular consequence: missense variant.
Genome position (GRCh38, 1-based): chr21:45,492,691, G>A. VCF-style: chr21-45492691-G-A. GRCh37 (hg19) VCF-style: chr21-46912605-G-A.
Other names: c.2732G>A, p.Arg911Gln (NM_030582.4); c.3437G>A, p.Arg1146Gln (NM_130444.3); short protein forms R731Q, R1146Q, R911Q.
Identifiers: ClinVar variation 1441510 (VCV001441510.5), dbSNP rs201805043, ClinGen allele CA10066913.
Genomic context (GRCh38, chr21:45,492,691, plus strand): 5'-CGGGCAGGCGCGAGGGTGCGTGATGACCCCAGCTGACGCCGTCCCTCTTTCCCCAGGGCC[G>A]GCCGGGTTTCGCAGGCTTTCCCGTGAGTAACCTGGTGCCAGAGCTGCATGCTGCCCGGCT-3'
Protein context (NP_001366429.1, residues 721-741): SVLSVPGPEG[Arg731Gln]PGFAGFPGPA